The following is an entry in ClinVar:

ClinVar aggregate classification (germline): Uncertain significance (1 of 4 stars; one submission).

Conditions:
Cardiovascular phenotype. Identifiers: MedGen CN230736.

Submission:

Ambry Genetics
Classification: Uncertain significance for Cardiovascular phenotype. Last evaluated: 2021-04-13. Review status: criteria provided, single submitter. Criteria: Ambry Variant Classification Scheme 2023. Collection method: clinical testing. Allele origin: germline.
Comment: The p.E275Q variant (also known as c.823G>C), located in coding exon 8 of the CASQ2 gene, results from a G to C substitution at nucleotide position 823. The glutamic acid at codon 275 is replaced by glutamine, an amino acid with highly similar properties. This amino acid position is highly conserved in available vertebrate species. In addition, the in silico prediction for this alteration is inconclusive. Since supporting evidence is limited at this time, the clinical significance of this alteration remains unclear.

NM_001232.4(CASQ2):c.823G>C (p.Glu275Gln)

Gene: CASQ2 (calsequestrin 2; minus strand). Cytogenetic location: 1p13.1.
Variant type: single nucleotide variant.
Coding change: c.823G>C on transcript NM_001232.4 (MANE Select); coding-DNA position 823, G replaced by C.
Protein change: p.Glu275Gln; replaces glutamic acid 275 with glutamine.
Molecular consequence: missense variant.
Genome position (GRCh38, 1-based): chr1:115,717,855, C>G on the plus strand (G>C on the coding strand, the complement: CASQ2 is on the minus strand). VCF-style: chr1-115717855-C-G. GRCh37 (hg19) VCF-style: chr1-116260476-C-G.
Other names: short protein forms E275Q.
Identifiers: ClinVar variation 1762581 (VCV001762581.2), dbSNP rs2464872048, ClinGen allele CA341767805.
Genomic context (GRCh38, chr1:115,717,855, plus strand): 5'-CAGTTCTTGCTAGAGCTGTAAAAGAGCAGGTTGAAGGTTTCCTACCTGGATCACTCTTCT[C>G]TGCAAAGGCCACAATGTGGATCCCATTCAAATCATCTTCCTGTATGAGAAAAGTAACAAA-3'
Protein context (NP_001223.2, residues 265-285): LNGIHIVAFA[Glu275Gln]KSDPDGYEFL